The following is an entry in ClinVar:

NM_001366145.2(TRPM3):c.4297G>A (p.Val1433Met)

Genes: KLF9-DT (KLF9 divergent transcript; plus strand), TRPM3 (transient receptor potential cation channel subfamily M member 3; minus strand). Cytogenetic location: 9q21.12.
Variant type: single nucleotide variant.
Coding change: c.4297G>A on transcript NM_001366145.2 (MANE Select); coding-DNA position 4297, G replaced by A.
Protein change: p.Val1433Met; replaces valine 1433 with methionine.
Molecular consequence: missense variant. On other transcripts: intron variant (8).
Genome position (GRCh38, 1-based): chr9:70,536,816, C>T on the plus strand (G>A on the coding strand, the complement: TRPM3 is on the minus strand). VCF-style: chr9-70536816-C-T. GRCh37 (hg19) VCF-style: chr9-73151732-C-T.
Other names: c.4261G>A, p.Val1421Met (NM_001007471.4); c.4267G>A, p.Val1423Met (NM_001366141.2, NM_001366149.2); c.4372G>A, p.Val1458Met (NM_001366147.2); c.3991+306G>A (NM_001366146.2); c.4036+306G>A (NM_001366148.2); c.4066+306G>A (NM_001366152.2); c.3532+306G>A (NM_001366154.2); c.3802G>A, p.Val1268Met (NM_020952.6); and 9 more; short protein forms V1258M, V1268M, V1280M, V1293M, V1433M, V1283M, V1270M, V1423M.
Identifiers: ClinVar variation 2290951 (VCV002290951.3), dbSNP rs757556760, ClinGen allele CA5077840.

ClinVar aggregate classification (germline): Likely benign. Review status: criteria provided, multiple submitters, no conflicts (2 of 4 stars). 2 submissions from 2 submitters: Likely benign (2). Last evaluated 2026-07-01.

Conditions:
Inborn genetic diseases. Identifiers: MedGen C0950123, MeSH D030342.

Allele frequency attached by ClinVar (database versions not stated): ExAC 0.00001; gnomAD exomes 0.00001; TOPMed 0.00001.
gnomAD v4.1: 18 of 1,614,144 alleles (0.0011%); highest among the groups gnomAD compares: African/African-American, 0.004%; no homozygotes.

Submissions (2):

CeGaT Center for Human Genetics Tuebingen
Classification: Likely benign. Last evaluated: 2026-07-01. Review status: criteria provided, single submitter. Criteria: CeGaT Center For Human Genetics Tuebingen Variant Classification Criteria Version 2. Collection method: clinical testing. Allele origin: germline. Affected: yes. Observed: 1 variant allele.
Comment: TRPM3: BP4, BS2

Ambry Genetics
Classification: Likely benign for Inborn genetic diseases. Last evaluated: 2022-05-25. Review status: criteria provided, single submitter. Criteria: Ambry Variant Classification Scheme 2023. Collection method: clinical testing. Allele origin: germline.